The following is an entry in ClinVar:

ClinVar aggregate classification (germline): Likely benign. Review status: criteria provided, single submitter (1 of 4 stars). 2 submissions from 2 submitters: Likely benign (1). 1 of the submissions does not count toward it. Last evaluated 2022-12-01.

Conditions:
UNC5C-related disorder. Also called: UNC5C-related condition.

Allele frequency attached by ClinVar (database versions not stated): ExAC 0.00011.
gnomAD v4.1: 169 of 1,613,900 alleles (0.01%); highest among the groups gnomAD compares: Middle Eastern, 0.59%; 4 homozygotes.

Submissions (2):

CeGaT Center for Human Genetics Tuebingen
Classification: Likely benign. Last evaluated: 2022-12-01. Review status: criteria provided, single submitter. Criteria: CeGaT Center For Human Genetics Tuebingen Variant Classification Criteria Version 2. Collection method: clinical testing. Allele origin: germline. Affected: yes. Observed: 1 variant allele.
Comment: UNC5C: BP4, BP7

PreventionGenetics, part of Exact Sciences
Classification: Likely benign for UNC5C-related condition. Last evaluated: 2019-03-08. Review status: no assertion criteria provided. Collection method: clinical testing. Allele origin: germline. Not counted in ClinVar's aggregate classification.
Comment: This variant is classified as likely benign based on ACMG/AMP sequence variant interpretation guidelines (Richards et al. 2015 PMID: 25741868, with internal and published modifications).

NM_003728.4(UNC5C):c.933G>A (p.Thr311=)

Gene: UNC5C (unc-5 netrin receptor C; minus strand). Cytogenetic location: 4q22.3.
Variant type: single nucleotide variant.
Coding change: c.933G>A on transcript NM_003728.4 (MANE Select); coding-DNA position 933, G replaced by A.
Protein change: p.Thr311=; no amino-acid change (threonine 311 retained).
Molecular consequence: synonymous variant.
Genome position (GRCh38, 1-based): chr4:95,244,987, C>T on the plus strand (G>A on the coding strand, the complement: UNC5C is on the minus strand). VCF-style: chr4-95244987-C-T. GRCh37 (hg19) VCF-style: chr4-96166138-C-T.
Other names: c.933G>A (NM_003728.3).
Identifiers: ClinVar variation 2654958 (VCV002654958.25), dbSNP rs773385589, ClinGen allele CA3015830.